The following is an entry in ClinVar:

NM_005445.4(SMC3):c.2536-3C>T

Gene: SMC3 (structural maintenance of chromosomes 3; plus strand). Cytogenetic location: 10q25.2.
Variant type: single nucleotide variant.
Coding change: c.2536-3C>T on transcript NM_005445.4 (MANE Select); 3 bases into the intron before coding-DNA position 2536, C replaced by T.
Molecular consequence: intron variant.
Genome position (GRCh38, 1-based): chr10:110,601,019, C>T. VCF-style: chr10-110601019-C-T. GRCh37 (hg19) VCF-style: chr10-112360777-C-T.
Identifiers: ClinVar variation 4752700 (VCV004752700.1).
Genomic context (GRCh38, chr10:110,601,019, plus strand): 5'-GCCATAGAAAATGTTGGCAGTCATAACATTTGAAACTAATGGAATTTGTATTTTTTGTTA[C>T]AGGAACTTAATGAGCTGAGAGAGACAGAAGGGGGTACTGTTCTCACAGCCACAACATCAG-3'

ClinVar aggregate classification (germline): Uncertain significance (1 of 4 stars; one submission).

Conditions:
Cornelia de Lange syndrome 3 (CDLS3). Also called: SMC3-Related Cornelia de Lange Syndrome; CORNELIA DE LANGE SYNDROME 3 WITH OR WITHOUT MIDLINE BRAIN DEFECTS. Identifiers: Orphanet 199, MedGen C1853099, MONDO:0012555, OMIM 610759.

Submission:

Labcorp Genetics (formerly Invitae), Labcorp
Classification: Uncertain significance for Cornelia de Lange syndrome 3. Last evaluated: 2025-02-13. Review status: criteria provided, single submitter. Criteria: Invitae Variant Classification Sherloc (09022015). Collection method: clinical testing. Allele origin: germline.
Comment: This sequence change falls in intron 22 of the SMC3 gene. It does not directly change the encoded amino acid sequence of the SMC3 protein. It affects a nucleotide within the consensus splice site. This variant is not present in population databases (gnomAD no frequency). This variant has not been reported in the literature in individuals affected with SMC3-related conditions. Variants that disrupt the consensus splice site are a relatively common cause of aberrant splicing (PMID: 17576681, 9536098). Algorithms developed to predict the effect of sequence changes on RNA splicing suggest that this variant is not likely to affect RNA splicing. In summary, the available evidence is currently insufficient to determine the role of this variant in disease. Therefore, it has been classified as a Variant of Uncertain Significance.

Literature cited by the submitters: PubMed 17576681; PubMed 9536098.